The following is an entry in ClinVar:

NM_001349798.2(FBXW7):c.1200C>T (p.Asp400=)

Gene: FBXW7 (F-box and WD repeat domain containing 7; minus strand). Cytogenetic location: 4q31.3.
Variant type: single nucleotide variant.
Coding change: c.1200C>T on transcript NM_001349798.2 (MANE Select); coding-DNA position 1200, C replaced by T.
Protein change: p.Asp400=; no amino-acid change (aspartic acid 400 retained).
Molecular consequence: synonymous variant.
Genome position (GRCh38, 1-based): chr4:152,329,708, G>A on the plus strand (C>T on the coding strand, the complement: FBXW7 is on the minus strand). VCF-style: chr4-152329708-G-A. GRCh37 (hg19) VCF-style: chr4-153250860-G-A.
Other names: c.846C>T, p.Asp282= (NM_001013415.2); c.960C>T, p.Asp320= (NM_018315.5); c.1200C>T, p.Asp400= (NM_033632.3).
Identifiers: ClinVar variation 2655130 (VCV002655130.26), dbSNP rs144306993, ClinGen allele CA3106216.
Genomic context (GRCh38, chr4:152,329,708, plus strand): 5'-GAAGTGTAGGAAGAGTAAACTTACTTTGCCTGTGACTGCTGACCAAACTTTTAAAGTGTT[G>A]TCATCAGAACCACTAACTATTCGGTTACCACAAAACTGTAAGCATGTGATCACATGATCA-3'
Protein context (NP_001336727.1, residues 390-410): CGNRIVSGSD[Asp400=]NTLKVWSAVT

ClinVar aggregate classification (germline): Benign/Likely benign. Review status: criteria provided, multiple submitters, no conflicts (2 of 4 stars). 2 submissions from 2 submitters: Benign (1); Likely benign (1). Last evaluated 2025-12-01.

Allele frequency attached by ClinVar (database versions not stated): 1000 Genomes Project 30x 0.00031; 1000 Genomes Project 0.00040; ExAC 0.00143; TOPMed 0.00050; ESP Exome Variant Server 0.00054; gnomAD 0.00087; gnomAD exomes 0.00093.
gnomAD v4.1: 1,471 of 1,583,446 alleles (0.093%); highest among the groups gnomAD compares: South Asian, 0.82%; 12 homozygotes.

Submissions (2):

CeGaT Center for Human Genetics Tuebingen
Classification: Likely benign. Last evaluated: 2025-12-01. Review status: criteria provided, single submitter. Criteria: CeGaT Center For Human Genetics Tuebingen Variant Classification Criteria Version 2. Collection method: clinical testing. Allele origin: germline. Affected: yes. Observed: 2 variant alleles.
Comment: FBXW7: BP4, BS2

Labcorp Genetics (formerly Invitae), Labcorp
Classification: Benign. Last evaluated: 2025-07-31. Review status: criteria provided, single submitter. Criteria: Invitae Variant Classification Sherloc (09022015). Collection method: clinical testing. Allele origin: germline.